The following is an entry in ClinVar:

NM_004415.4(DSP):c.8173C>A (p.Arg2725Ser)

Gene: DSP (desmoplakin; plus strand). Cytogenetic location: 6p24.3.
Variant type: single nucleotide variant.
Coding change: c.8173C>A on transcript NM_004415.4 (MANE Select); coding-DNA position 8173, C replaced by A.
Protein change: p.Arg2725Ser; replaces arginine 2725 with serine.
Molecular consequence: missense variant.
Genome position (GRCh38, 1-based): chr6:7,585,435, C>A. VCF-style: chr6-7585435-C-A. GRCh37 (hg19) VCF-style: chr6-7585668-C-A.
Other names: c.6376C>A, p.Arg2126Ser (NM_001008844.3); c.6844C>A, p.Arg2282Ser (NM_001319034.2); short protein forms R2282S, R2126S, R2725S.
Identifiers: ClinVar variation 1762291 (VCV001762291.2), dbSNP rs141078292, ClinGen allele CA362694597.

ClinVar aggregate classification (germline): Uncertain significance (1 of 4 stars; one submission).

Conditions:
Cardiovascular phenotype. Identifiers: MedGen CN230736.

Submission:

Ambry Genetics
Classification: Uncertain significance for Cardiovascular phenotype. Last evaluated: 2020-01-29. Review status: criteria provided, single submitter. Criteria: Ambry Variant Classification Scheme 2023. Collection method: clinical testing. Allele origin: germline.
Comment: The p.R2725S variant (also known as c.8173C>A), located in coding exon 24 of the DSP gene, results from a C to A substitution at nucleotide position 8173. The arginine at codon 2725 is replaced by serine, an amino acid with dissimilar properties. This amino acid position is highly conserved in available vertebrate species. In addition, this alteration is predicted to be deleterious by in silico analysis. Since supporting evidence is limited at this time, the clinical significance of this alteration remains unclear.